The following is an entry in ClinVar:

NM_013451.4(MYOF):c.1118-4C>T

Gene: MYOF (myoferlin; minus strand). Cytogenetic location: 10q23.33.
Variant type: single nucleotide variant.
Coding change: c.1118-4C>T on transcript NM_013451.4 (MANE Select); 4 bases into the intron before coding-DNA position 1118, C replaced by T.
Molecular consequence: intron variant.
Genome position (GRCh38, 1-based): chr10:93,399,499, G>A on the plus strand (C>T on the coding strand, the complement: MYOF is on the minus strand). VCF-style: chr10-93399499-G-A. GRCh37 (hg19) VCF-style: chr10-95159256-G-A.
Other names: c.1118-4C>T (NM_133337.3).
Identifiers: ClinVar variation 1175778 (VCV001175778.36), dbSNP rs182543591, ClinGen allele CA5608333.
Genomic context (GRCh38, chr10:93,399,499, plus strand): 5'-TCTTATCTGCATTGCCTCCAAATATTTCCTTTACTGTCTGTGAGAAGGCATCATCCACTG[G>A]AAGGTAATAGTTATACAGCAGAAATTAAATTCAATTCCCAGAAATTTGGCAAAATTTTAA-3'

ClinVar aggregate classification (germline): Likely benign. Review status: criteria provided, multiple submitters, no conflicts (2 of 4 stars). 2 submissions from 2 submitters: Likely benign (2). Last evaluated 2023-04-01.

Allele frequency attached by ClinVar (database versions not stated): 1000 Genomes Project 0.00120; 1000 Genomes Project 30x 0.00125; gnomAD exomes 0.00401 and 0.00800; ExAC 0.00416; TOPMed 0.00454; gnomAD 0.00455 and 0.00470; ESP Exome Variant Server 0.00610.
gnomAD v4.1: 12,198 of 1,597,558 alleles (0.76%); highest among the groups gnomAD compares: Non-Finnish European, 0.96%; 66 homozygotes.

Submissions (2):

CeGaT Center for Human Genetics Tuebingen
Classification: Likely benign. Last evaluated: 2023-04-01. Review status: criteria provided, single submitter. Criteria: CeGaT Center For Human Genetics Tuebingen Variant Classification Criteria Version 2. Collection method: clinical testing. Allele origin: germline. Affected: yes. Observed: 4 variant alleles.
Comment: MYOF: BP4, BS2

Breakthrough Genomics
Classification: Likely benign. Review status: criteria provided, single submitter. Criteria: ACMG Guidelines, 2015. Collection method: not provided. Allele origin: germline. Inheritance: Autosomal dominant inheritance. Affected: yes.